The following is an entry in ClinVar:

NM_024496.4(IRF2BPL):c.769C>T (p.Leu257=)

Gene: IRF2BPL (interferon regulatory factor 2 binding protein like; minus strand). Cytogenetic location: 14q24.3.
Variant type: single nucleotide variant.
Coding change: c.769C>T on transcript NM_024496.4 (MANE Select); coding-DNA position 769, C replaced by T.
Protein change: p.Leu257=; no amino-acid change (leucine 257 retained).
Molecular consequence: synonymous variant.
Genome position (GRCh38, 1-based): chr14:77,027,024, G>A on the plus strand (C>T on the coding strand, the complement: IRF2BPL is on the minus strand). VCF-style: chr14-77027024-G-A. GRCh37 (hg19) VCF-style: chr14-77493367-G-A.
Identifiers: ClinVar variation 4922607 (VCV004922607.2).

ClinVar aggregate classification (germline): Likely benign. Review status: criteria provided, multiple submitters, no conflicts (2 of 4 stars). 2 submissions from 2 submitters: Likely benign (2). Last evaluated 2026-08-01.

Submissions (2):

CeGaT Center for Human Genetics Tuebingen
Classification: Likely benign. Last evaluated: 2026-08-01. Review status: criteria provided, single submitter. Criteria: CeGaT Center For Human Genetics Tuebingen Variant Classification Criteria Version 2. Collection method: clinical testing. Allele origin: germline. Affected: yes. Observed: 1 variant allele.
Comment: IRF2BPL: BP4, BP7, BS1

Blueprint Genetics
Classification: Likely benign. Last evaluated: 2022-12-30. Review status: criteria provided, single submitter. Criteria: ACMG Guidelines, 2015. Collection method: clinical testing. Allele origin: germline.